The following is an entry in ClinVar:

NM_001204.7(BMPR2):c.2699C>A (p.Thr900Asn)

Gene: BMPR2 (bone morphogenetic protein receptor type 2; plus strand). Cytogenetic location: 2q33.2.
Variant type: single nucleotide variant.
Coding change: c.2699C>A on transcript NM_001204.7 (MANE Select); coding-DNA position 2699, C replaced by A.
Protein change: p.Thr900Asn; replaces threonine 900 with asparagine.
Molecular consequence: missense variant.
Genome position (GRCh38, 1-based): chr2:202,556,364, C>A. VCF-style: chr2-202556364-C-A. GRCh37 (hg19) VCF-style: chr2-203421087-C-A.
Other names: short protein forms T900N.
Identifiers: ClinVar variation 3992085 (VCV003992085.1).

ClinVar aggregate classification (germline): Uncertain significance (1 of 4 stars; one submission).

Conditions:
Inborn genetic diseases. Identifiers: MedGen C0950123, MeSH D030342.

Submission:

Ambry Genetics
Classification: Uncertain significance for Inborn genetic diseases. Last evaluated: 2025-03-30. Review status: criteria provided, single submitter. Criteria: Ambry Variant Classification Scheme 2023. Collection method: clinical testing. Allele origin: germline.
Comment: The p.T900N variant (also known as c.2699C>A), located in coding exon 12 of the BMPR2 gene, results from a C to A substitution at nucleotide position 2699. The threonine at codon 900 is replaced by asparagine, an amino acid with similar properties. This amino acid position is conserved. In addition, the in silico prediction for this alteration is inconclusive. Based on the available evidence, the clinical significance of this variant remains unclear.